The following is an entry in ClinVar:

ClinVar aggregate classification (germline): Uncertain significance (1 of 4 stars; one submission).

Submission:

Ambry Genetics
Classification: Uncertain significance. Last evaluated: 2023-03-12. Review status: criteria provided, single submitter. Criteria: Ambry Variant Classification Scheme 2023. Collection method: clinical testing. Allele origin: germline.
Comment: The p.Q1112K variant (also known as c.3334C>A), located in coding exon 4 of the ALPK2 gene, results from a C to A substitution at nucleotide position 3334. The glutamine at codon 1112 is replaced by lysine, an amino acid with similar properties. This amino acid position is conserved. In addition, this alteration is predicted to be tolerated by in silico analysis. Since supporting evidence is limited at this time, the clinical significance of this alteration remains unclear.

NM_052947.4(ALPK2):c.3334C>A (p.Gln1112Lys)

Gene: ALPK2 (alpha kinase 2; minus strand). Cytogenetic location: 18q21.31.
Variant type: single nucleotide variant.
Coding change: c.3334C>A on transcript NM_052947.4 (MANE Select); coding-DNA position 3334, C replaced by A.
Protein change: p.Gln1112Lys; replaces glutamine 1112 with lysine.
Molecular consequence: missense variant.
Genome position (GRCh38, 1-based): chr18:58,536,853, G>T on the plus strand (C>A on the coding strand, the complement: ALPK2 is on the minus strand). VCF-style: chr18-58536853-G-T. GRCh37 (hg19) VCF-style: chr18-56204085-G-T.
Other names: short protein forms Q1112K.
Identifiers: ClinVar variation 2449314 (VCV002449314.2), dbSNP rs2518876579, ClinGen allele CA402568605.
Genomic context (GRCh38, chr18:58,536,853, plus strand): 5'-CACTTCCTCTTTCTTGGAAATTCTCTTCATAGCTCCTAAAGTCTGCTCTGTCCACAGTCT[G>T]GCTCTTATCTCCAGACAGGTTATCAACCTGAAGAGGGGAATTACTGCAGAAACCCTCTCC-3'
Protein context (NP_443179.3, residues 1102-1122): QVDNLSGDKS[Gln1112Lys]TVDRADFRSY